The following is an entry in ClinVar:

NM_003872.3(NRP2):c.716G>A (p.Arg239His)

Gene: NRP2 (neuropilin 2; plus strand). Cytogenetic location: 2q33.3.
Variant type: single nucleotide variant.
Coding change: c.716G>A on transcript NM_003872.3 (MANE Select); coding-DNA position 716, G replaced by A.
Protein change: p.Arg239His; replaces arginine 239 with histidine.
Molecular consequence: missense variant.
Genome position (GRCh38, 1-based): chr2:205,723,836, G>A. VCF-style: chr2-205723836-G-A. GRCh37 (hg19) VCF-style: chr2-206588560-G-A.
Other names: c.716G>A, p.Arg239His (NM_018534.4, NM_201264.2, NM_201266.2 and 2 more transcripts); short protein forms R239H.
Identifiers: ClinVar variation 3038798 (VCV003038798.2), dbSNP rs201324375, ClinGen allele CA2068890.

ClinVar aggregate classification (germline): Likely benign (0 of 4 stars; one submission).

Conditions:
NRP2-related disorder. Also called: NRP2-related condition.

Allele frequency attached by ClinVar (database versions not stated): gnomAD exomes 0.00016; 1000 Genomes Project 0.00020; ESP Exome Variant Server 0.00023; gnomAD 0.00027; 1000 Genomes Project 30x 0.00031; TOPMed 0.00042; ExAC 0.00050.
gnomAD v4.1: 268 of 1,614,174 alleles (0.017%); highest among the groups gnomAD compares: Admixed American, 0.31%; 2 homozygotes.

Submission:

PreventionGenetics, part of Exact Sciences
Classification: Likely benign for NRP2-related condition. Last evaluated: 2022-02-10. Review status: no assertion criteria provided. Collection method: clinical testing. Allele origin: germline.
Comment: This variant is classified as likely benign based on ACMG/AMP sequence variant interpretation guidelines (Richards et al. 2015 PMID: 25741868, with internal and published modifications).